The following is an entry in ClinVar:

NM_000535.7(PMS2):c.2270A>C (p.Glu757Ala)

Gene: PMS2 (PMS1 homolog 2, mismatch repair system component; minus strand). Cytogenetic location: 7p22.1.
Variant type: single nucleotide variant.
Coding change: c.2270A>C on transcript NM_000535.7 (MANE Select); coding-DNA position 2270, A replaced by C.
Protein change: p.Glu757Ala; replaces glutamic acid 757 with alanine.
Molecular consequence: missense variant. On other transcripts: non-coding transcript variant (1).
Genome position (GRCh38, 1-based): chr7:5,978,601, T>G on the plus strand (A>C on the coding strand, the complement: PMS2 is on the minus strand). VCF-style: chr7-5978601-T-G. GRCh37 (hg19) VCF-style: chr7-6018232-T-G.
Other names: c.1865A>C, p.Glu622Ala (NM_001322003.2, NM_001322004.2, NM_001322005.2 and 1 more transcripts); c.2114A>C, p.Glu705Ala (NM_001322006.2); c.1952A>C, p.Glu651Ala (NM_001322007.2, NM_001322008.2); c.1709A>C, p.Glu570Ala (NM_001322010.2); c.1337A>C, p.Glu446Ala (NM_001322011.2, NM_001322012.2); c.1697A>C, p.Glu566Ala (NM_001322013.2); c.2270A>C, p.Glu757Ala (NM_001322014.2); c.1961A>C, p.Glu654Ala (NM_001322015.2); short protein forms E757A, E566A, E570A, E622A, E705A, E651A, E446A, E654A.
Identifiers: ClinVar variation 455696 (VCV000455696.10), dbSNP rs1554294402, ClinGen allele CA366736427.

ClinVar aggregate classification (germline): Uncertain significance. Review status: criteria provided, multiple submitters, no conflicts (2 of 4 stars). 3 submissions from 3 submitters: Uncertain significance (3). Last evaluated 2025-08-22.

Conditions:
Hereditary nonpolyposis colorectal neoplasms. Identifiers: MedGen C0009405, MeSH D003123.
Hereditary cancer-predisposing syndrome. Also called: Hereditary Cancer Syndrome; Hereditary neoplastic syndrome; Neoplastic Syndromes, Hereditary; Tumor predisposition. Identifiers: Orphanet 140162, MedGen C0027672, MeSH D009386, MONDO:0015356.

Submissions (3):

Color Diagnostics, LLC DBA Color Health
Classification: Uncertain significance for Hereditary cancer-predisposing syndrome. Last evaluated: 2025-08-22. Review status: criteria provided, single submitter. Criteria: ACMG Guidelines, 2015. Collection method: clinical testing. Allele origin: germline.
Comment: This missense variant replaces glutamic acid with alanine at codon 757 of the PMS2 protein. Computational prediction is inconclusive regarding the impact of this variant on protein structure and function. To our knowledge, functional studies have not been reported for this variant. This variant has not been reported in individuals affected with PMS2-related disorders in the literature. This variant has not been identified in the general population by the Genome Aggregation Database (gnomAD). The available evidence is insufficient to determine the role of this variant in disease conclusively. Therefore, this variant is classified as a Variant of Uncertain Significance.

Labcorp Genetics (formerly Invitae), Labcorp
Classification: Uncertain significance for Hereditary nonpolyposis colorectal neoplasms. Last evaluated: 2025-08-18. Review status: criteria provided, single submitter. Criteria: Invitae Variant Classification Sherloc (09022015). Collection method: clinical testing. Allele origin: germline.
Comment: This sequence change replaces glutamic acid, which is acidic and polar, with alanine, which is neutral and non-polar, at codon 757 of the PMS2 protein (p.Glu757Ala). The frequency data for this variant in the population databases (gnomAD) is considered unreliable due to the presence of homologous sequence, such as pseudogenes or paralogs, in the genome. This variant has not been reported in the literature in individuals affected with PMS2-related conditions. ClinVar contains an entry for this variant (Variation ID: 455696). Invitae Evidence Modeling incorporating data from in vitro experimental studies (internal data) indicates that this missense variant is not expected to disrupt PMS2 function with a negative predictive value of 95%. In summary, the available evidence is currently insufficient to determine the role of this variant in disease. Therefore, it has been classified as a Variant of Uncertain Significance.

Ambry Genetics
Classification: Uncertain significance for Hereditary cancer-predisposing syndrome. Last evaluated: 2023-02-03. Review status: criteria provided, single submitter. Criteria: Ambry Variant Classification Scheme 2023. Collection method: clinical testing. Allele origin: germline.
Comment: The p.E757A variant (also known as c.2270A>C), located in coding exon 13 of the PMS2 gene, results from an A to C substitution at nucleotide position 2270. The glutamic acid at codon 757 is replaced by alanine, an amino acid with dissimilar properties. This amino acid position is conserved. In addition, the in silico prediction for this alteration is inconclusive. Since supporting evidence is limited at this time, the clinical significance of this alteration remains unclear.